The following is an entry in ClinVar:

ClinVar aggregate classification (germline): Uncertain significance (1 of 4 stars; one submission).

Conditions:
Hereditary cancer-predisposing syndrome. Also called: Neoplastic Syndromes, Hereditary; Hereditary Cancer Syndrome; Hereditary neoplastic syndrome; Tumor predisposition. Identifiers: Orphanet 140162, MedGen C0027672, MeSH D009386, MONDO:0015356.

Submission:

Ambry Genetics
Classification: Uncertain significance for Hereditary cancer-predisposing syndrome. Last evaluated: 2023-04-18. Review status: criteria provided, single submitter. Criteria: Ambry Variant Classification Scheme 2023. Collection method: clinical testing. Allele origin: germline.
Comment: The p.Y857D variant (also known as c.2569T>G), located in coding exon 22 of the TSC2 gene, results from a T to G substitution at nucleotide position 2569. The tyrosine at codon 857 is replaced by aspartic acid, an amino acid with highly dissimilar properties. This amino acid position is conserved. In addition, this alteration is predicted to be deleterious by in silico analysis. Since supporting evidence is limited at this time, the clinical significance of this alteration remains unclear.

NM_000548.5(TSC2):c.2569T>G (p.Tyr857Asp)

Gene: TSC2 (TSC complex subunit 2; plus strand). Cytogenetic location: 16p13.3.
Variant type: single nucleotide variant.
Coding change: c.2569T>G on transcript NM_000548.5 (MANE Select); coding-DNA position 2569, T replaced by G.
Protein change: p.Tyr857Asp; replaces tyrosine 857 with aspartic acid.
Molecular consequence: missense variant. On other transcripts: non-coding transcript variant (5).
Genome position (GRCh38, 1-based): chr16:2,075,822, T>G. VCF-style: chr16-2075822-T-G. GRCh37 (hg19) VCF-style: chr16-2125823-T-G.
Other names: c.2569T>G, p.Tyr857Asp (NM_001077183.3, NM_001114382.3, NM_001363528.2 and 6 more transcripts); c.2458T>G, p.Tyr820Asp (NM_001318827.2, NM_001406670.1, NM_001406678.1); c.2422T>G, p.Tyr808Asp (NM_001318829.2, NM_001406675.1, NM_001406676.1 and 1 more transcripts); c.1969T>G, p.Tyr657Asp (NM_001318831.2, NM_001406680.1, NM_001406682.1 and 6 more transcripts); c.2602T>G, p.Tyr868Asp (NM_001318832.2); c.2659T>G, p.Tyr887Asp (NM_001406667.1, NM_001406668.1); c.2557T>G, p.Tyr853Asp (NM_001406671.1, NM_001406673.1); c.2512T>G, p.Tyr838Asp (NM_001406677.1); and 3 more; short protein forms Y409D, Y853D, Y857D, Y703D, Y808D, Y887D, Y820D, Y323D.
Identifiers: ClinVar variation 2564683 (VCV002564683.2), dbSNP rs2151380293, ClinGen allele CA394278346.
Genomic context (GRCh38, chr16:2,075,822, plus strand): 5'-ACCCCGGCTCCCCTGACCACCCTCTCCATTACCGCAGCTCTGGCCAGGCTGCCGCACCTC[T>G]ACAGGAACTTTGCCGCGGAGCAGTATGCCAGTGTGTTCGCCATCTCCCTGCCGTACACCA-3'
Protein context (NP_000539.2, residues 847-867): LSTLARLPHL[Tyr857Asp]RNFAAEQYAS